The following is an entry in ClinVar:

ClinVar aggregate classification (germline): Uncertain significance (1 of 4 stars; one submission).

Conditions:
Leber congenital amaurosis 1 (LCA1). Also called: RETINAL BLINDNESS, CONGENITAL; Congenital absence of the rods and cones; Leber's congenital tapetoretinal degeneration; Leber's congenital tapetoretinal dysplasia; AMAUROSIS CONGENITA OF LEBER I. Identifiers: Orphanet 65, MedGen C2931258, MONDO:0008764, OMIM 204000.

Submission:

Baylor Genetics
Classification: Uncertain significance for Leber congenital amaurosis 1. Last evaluated: 2020-06-03. Review status: criteria provided, single submitter. Criteria: ACMG Guidelines, 2015. Collection method: clinical testing. Allele origin: unknown. Affected: yes.
Comment: This variant was determined to be of uncertain significance according to ACMG Guidelines, 2015 [PMID:25741868].

NM_000180.4(GUCY2D):c.1220C>G (p.Thr407Arg)

Gene: GUCY2D (guanylate cyclase 2D, retinal; plus strand). Cytogenetic location: 17p13.1.
Variant type: single nucleotide variant.
Coding change: c.1220C>G on transcript NM_000180.4 (MANE Select); coding-DNA position 1220, C replaced by G.
Protein change: p.Thr407Arg; replaces threonine 407 with arginine.
Molecular consequence: missense variant.
Genome position (GRCh38, 1-based): chr17:8,006,556, C>G. VCF-style: chr17-8006556-C-G. GRCh37 (hg19) VCF-style: chr17-7909874-C-G.
Other names: short protein forms T407R.
Identifiers: ClinVar variation 1029696 (VCV001029696.1), dbSNP rs377650196, ClinGen allele CA397947984.